The following is an entry in ClinVar:

ClinVar aggregate classification (germline): Pathogenic (1 of 4 stars; one submission).

Submission:

Clinical Genomics Laboratory, Laboratory for Precision Diagnostics, University of Washington
Classification: Pathogenic. Last evaluated: 2024-09-13. Review status: criteria provided, single submitter. Criteria: ACMG/ClinGen CNV Guidelines, 2019. Collection method: clinical testing. Allele origin: unknown. Affected: yes. Observed: 1 variant allele.
Comment: This interstitial deletion is approximately 13.2 Mb in size and contains 50 protein-coding genes, including PDCD10 and MECOM. Several other genes within this region are predicted by multiple models to cause health problems in humans when one copy is deleted: KPNA4, PHC3, SLITRK3, SEC62, SKIL, and TNIK. Heterozygous loss-of-function variants in PDCD10, including whole-gene deletions, cause familial cerebral cavernous malformations (FCCM). Cerebral cavernous malformations are irregular clusters of blood vessels in the brain and spinal cord. CCMs can leak or rupture, causing seizures, headaches, weakness or numbness in the limbs, and trouble with speaking, memory, attention, balance, and walking. Some people with CCMs have no symptoms, especially when they are young, but people with pathogenic variants in PDCD10 are more likely to have cerebral hemorrhage at an earlier age. Heterozygous loss-of-function variants in MECOM have been found in multiple people with congenital thrombocytopenia or congenital bone marrow failure, who sometimes also have abnormalities of the upper limbs, heart, and kidney. PMID: 22972950 found a de novo 751 kb deletion of 3q26.2 that removed the entirety of MECOM in a person with congenital thrombocytopenia and aplastic bone marrow. A neonate with congenital thrombocytopenia was found to have a 4.52 Mb deletion of 3q26.2q26.31 (GRCh38 chr3:169286036-173782807) that removed the first 2 exons of MECOM (PMID: 26554871). The child also had distinctive facial features, a submucosal cleft palate, a perimembranous ventricular septal defect, and unilateral paralysis of the larynx. PMID: 29540340 reported 12 patients with inherited bone marrow failure who all had pathogenic variants in MECOM. Several patients had frameshift and nonsense variants predicted to cause loss of function. Abnormalities of other organ systems were often present as well, including congenital cardiac defects, digit anomalies, and congenital hearing loss. A baby born with bilateral clubfeet, macrocephaly, distinctive facial features, ulnar deviation of the right hand, and pancytopenia was found to have an 854 kb deletion encompassing exons 4-17 of MECOM (PMID: 29439187). A de novo intragenic deletion of MECOM exon 2 was the only genetic abnormality found in a baby with congenital thrombocytopenia and anemia, who developed severe neutropenia. The baby also had an atrial septal defect and persistent ductus arteriosus (PMID: 29496554).

Literature cited by the submitters: PubMed 26554871; PubMed 29540340; PubMed 29496554; PubMed 30161288; PubMed 22972950; PubMed 29439187.

GRCh38/hg38 3q25.32-26.31(chr3:158472524-171706606)x1

Genes: ACTRT3 (actin related protein T3; minus strand), ARL14 (ARF like GTPase 14; plus strand), B3GALNT1 (beta-1,3-N-acetylgalactosaminyltransferase 1 (Globoside blood group); minus strand), BCHE (butyrylcholinesterase; minus strand), C3orf80 (chromosome 3 open reading frame 80; plus strand) and 257 more. Cytogenetic location: 3q25.32-26.31.
Variant type: copy number loss.
Change: copy number 1 (one copy instead of two) of chr3:158,472,524-171,706,606 (13.23 Mb, GRCh38 coordinates, 1-based), cytogenetic band 3q25.32-26.31.
Identifiers: ClinVar variation 4974699 (VCV004974699.1).